The following is an entry in ClinVar:

NM_000518.5(HBB):c.316-184T>C

Genes: HBB (hemoglobin subunit beta; minus strand), LOC110006319 (beta-globin gene 3' regulatory region; plus strand), LOC107133510 (origin of replication at HBB; plus strand). Cytogenetic location: 11p15.4.
Variant type: single nucleotide variant.
Coding change: c.316-184T>C on transcript NM_000518.5 (MANE Select); 184 bases into the intron before coding-DNA position 316, T replaced by C.
Molecular consequence: intron variant.
Genome position (GRCh38, 1-based): chr11:5,225,910, A>G on the plus strand (T>C on the coding strand, the complement: HBB is on the minus strand). VCF-style: chr11-5225910-A-G. GRCh37 (hg19) VCF-style: chr11-5247140-A-G.
Identifiers: ClinVar variation 36315 (VCV000036315.17), dbSNP rs193922557, ClinGen allele CA342860.

ClinVar aggregate classification (germline): Likely benign. Review status: criteria provided, multiple submitters, no conflicts (2 of 4 stars). 3 submissions from 3 submitters: Likely benign (3). Last evaluated 2026-01-09.

Allele frequency attached by ClinVar (database versions not stated): gnomAD 0.00001; TOPMed 0.00001; 1000 Genomes Project 30x 0.00016; 1000 Genomes Project 0.00020.
gnomAD v4.1: 2 of 152,336 alleles (0.0013%); highest among the groups gnomAD compares: East Asian, 0.039%; no homozygotes.

Submissions (3):

Labcorp Genetics (formerly Invitae), Labcorp
Classification: Likely benign. Last evaluated: 2026-01-09. Review status: criteria provided, single submitter. Criteria: Invitae Variant Classification Sherloc (09022015). Collection method: clinical testing. Allele origin: germline.

Women's Health and Genetics/Laboratory Corporation of America, LabCorp
Classification: Likely benign. Last evaluated: 2025-01-08. Review status: criteria provided, single submitter. Criteria: LabCorp Variant Classification Summary - May 2015. Collection method: clinical testing. Allele origin: germline.
Comment: Variant summary: HBB c.316-184T>C is located at a position not widely known to affect splicing. Consensus agreement among computation tools predict no significant impact on normal splicing. However, these predictions have yet to be confirmed by functional studies. The frequency of this variant in the general population could not be determined as the technology used for large population databases (ExAC, gnomAD, ESP, 1000G) cannot detect variants of this type. The available data on variant occurrences in the general population are insufficient to allow any conclusion about variant significance. To our knowledge, no occurrence of c.316-184T>C in individuals affected with Beta Thalassemia and no experimental evidence demonstrating its impact on protein function have been reported. ClinVar contains an entry for this variant (Variation ID: 36315). Based on the evidence outlined above, the variant was classified as likely benign.

Quest Diagnostics Nichols Institute San Juan Capistrano
Classification: Likely benign. Last evaluated: 2020-07-22. Review status: criteria provided, single submitter. Criteria: Quest Diagnostics criteria. Collection method: clinical testing. Allele origin: unknown.